The following is an entry in ClinVar:

NM_001205293.3(CACNA1E):c.2532G>T (p.Lys844Asn)

Gene: CACNA1E (calcium voltage-gated channel subunit alpha1 E; plus strand). Cytogenetic location: 1q25.3.
Variant type: single nucleotide variant.
Coding change: c.2532G>T on transcript NM_001205293.3 (MANE Select); coding-DNA position 2532, G replaced by T.
Protein change: p.Lys844Asn; replaces lysine 844 with asparagine.
Molecular consequence: missense variant.
Genome position (GRCh38, 1-based): chr1:181,732,618, G>T. VCF-style: chr1-181732618-G-T. GRCh37 (hg19) VCF-style: chr1-181701754-G-T.
Other names: c.2532G>T, p.Lys844Asn (NM_000721.4); c.2475G>T, p.Lys825Asn (NM_001205294.2); short protein forms K825N, K844N.
Identifiers: ClinVar variation 4768803 (VCV004768803.1).
Genomic context (GRCh38, chr1:181,732,618, plus strand): 5'-CAGCCTTTATCGGCGACCCAGGGCCATTGAGGGCCTGGCCCTGGGCCTGGCCCTGGAGAA[G>T]TTCGAGGAGGAGCGCATCAGCCGTGGGGGGTCCCTCAAGGGGGATGGAGGGGACCGATCC-3'
Protein context (NP_001192222.1, residues 834-854): EGLALGLALE[Lys844Asn]FEEERISRGG

ClinVar aggregate classification (germline): Uncertain significance (1 of 4 stars; one submission).

Submission:

Labcorp Genetics (formerly Invitae), Labcorp
Classification: Uncertain significance. Last evaluated: 2025-02-06. Review status: criteria provided, single submitter. Criteria: Invitae Variant Classification Sherloc (09022015). Collection method: clinical testing. Allele origin: germline.
Comment: This sequence change replaces lysine, which is basic and polar, with asparagine, which is neutral and polar, at codon 844 of the CACNA1E protein (p.Lys844Asn). This variant is not present in population databases (gnomAD no frequency). This variant has not been reported in the literature in individuals affected with CACNA1E-related conditions. Invitae Evidence Modeling of protein sequence and biophysical properties (such as structural, functional, and spatial information, amino acid conservation, physicochemical variation, residue mobility, and thermodynamic stability) indicates that this missense variant is not expected to disrupt CACNA1E protein function with a negative predictive value of 95%. In summary, the available evidence is currently insufficient to determine the role of this variant in disease. Therefore, it has been classified as a Variant of Uncertain Significance.